The following is an entry in ClinVar:

ClinVar aggregate classification (germline): Pathogenic (1 of 4 stars; one submission).

Submission:

Labcorp Genetics (formerly Invitae), Labcorp
Classification: Pathogenic. Last evaluated: 2023-10-16. Review status: criteria provided, single submitter. Criteria: Invitae Variant Classification Sherloc (09022015). Collection method: clinical testing. Allele origin: unknown.
Comment: A gross deletion of the genomic region encompassing the full coding sequence of the ASAH1 gene has been identified. Loss-of-function variants in ASAH1 are known to be pathogenic (PMID: 24164096, 24355074). The boundaries of this event are unknown as they extend beyond the assayed region for this gene and therefore may encompass additional genes. A similar copy number variant has been observed in individual(s) with autosomal recessive spinal muscular atrophy with progressive myoclonic epilepsy (PMID: 22703880). For these reasons, this variant has been classified as Pathogenic.

Literature cited by the submitters: PubMed 24164096; PubMed 24355074; PubMed 22703880.

NC_000008.10:g.(?_17915043)_(17941567_?)del

Gene: ASAH1 (N-acylsphingosine amidohydrolase 1; minus strand). Cytogenetic location: 8p22.
Variant type: Deletion.
Identifiers: ClinVar variation 3245611 (VCV003245611.1).